The following is an entry in ClinVar:

NM_000128.4(F11):c.485+1G>T

Gene: F11 (coagulation factor XI; plus strand). Cytogenetic location: 4q35.2.
Variant type: single nucleotide variant.
Coding change: c.485+1G>T on transcript NM_000128.4 (MANE Select); the canonical splice donor site of the intron after coding-DNA position 485, G replaced by T.
Molecular consequence: splice donor variant. On other transcripts: synonymous variant (1).
Genome position (GRCh38, 1-based): chr4:186,274,276, G>T. VCF-style: chr4-186274276-G-T. GRCh37 (hg19) VCF-style: chr4-187195430-G-T.
Other names: c.486G>T, p.Arg162= (NM_001354804.2).
Identifiers: ClinVar variation 2664701 (VCV002664701.1), dbSNP rs2126731736, ClinGen allele CA358958751.

ClinVar aggregate classification (germline): Likely pathogenic (1 of 4 stars; one submission).

Conditions:
Hereditary factor XI deficiency disease. Also called: PLASMA THROMBOPLASTIN ANTECEDENT DEFICIENCY; PTA DEFICIENCY; ROSENTHAL SYNDROME; Congenital factor XI deficiency. Identifiers: Orphanet 329, MedGen C0015523, MeSH D005173, MONDO:0012897, OMIM 612416.

Submission:

Genetics and Molecular Pathology, SA Pathology
Classification: Likely pathogenic for Hereditary factor XI deficiency disease. Last evaluated: 2023-06-01. Review status: criteria provided, single submitter. Criteria: ACMG Guidelines, 2015. Collection method: clinical testing. Allele origin: germline. Affected: yes.
Comment: The F11 c.485+1G>T variant is classified as Pathogenic (PVS1, PM2,PP4) The F11 c.485+1G>T variant is located in a splice donor region. Computational predictions support a deleterious effect on splicing and a likely disruption of the protein reading frame and non-sense mediated decay of the resulting protein product (PVS1). This variant is absent from population databases (PM2). This variant has not been reported in dbSNP, ClinVar or HGMD. A splice donor variant at the same site, F11 c.485+1G>T has been previously reported in HGMD (CS164338) and ClinVar (Variation ID:1471764). The clinical features of this case are highly specific for the F11 and this patient has a well-defined syndrome with little overlap with other clinical presentations (PP4).